The following is an entry in ClinVar:

ClinVar aggregate classification (germline): Uncertain significance (1 of 4 stars; one submission).

Conditions:
Hereditary sensory neuropathy-deafness-dementia syndrome. Also called: HSN IE; Hereditary sensory neuropathy type IE; NEUROPATHY, HEREDITARY SENSORY, WITH HEARING LOSS AND DEMENTIA; Hereditary Sensory and Autonomic Neuropathy Type 1E (HSAN1E). Identifiers: Orphanet 456318, MedGen C3279885, MONDO:0013584, OMIM 614116.

Allele frequency attached by ClinVar (database versions not stated): gnomAD exomes below 0.00001 and 0.00001.
gnomAD v4.1: 9 of 1,612,278 alleles (0.00056%); highest among the groups gnomAD compares: Admixed American, 0.0017%; no homozygotes.

Submission:

Labcorp Genetics (formerly Invitae), Labcorp
Classification: Uncertain significance for Hereditary sensory neuropathy-deafness-dementia syndrome. Last evaluated: 2025-10-02. Review status: criteria provided, single submitter. Criteria: Invitae Variant Classification Sherloc (09022015). Collection method: clinical testing. Allele origin: germline.
Comment: This sequence change replaces arginine, which is basic and polar, with histidine, which is basic and polar, at codon 1098 of the DNMT1 protein (p.Arg1098His). This variant is present in population databases (no rsID available, gnomAD 0.003%). This variant has not been reported in the literature in individuals affected with DNMT1-related conditions. ClinVar contains an entry for this variant (Variation ID: 568493). Invitae Evidence Modeling of protein sequence and biophysical properties (such as structural, functional, and spatial information, amino acid conservation, physicochemical variation, residue mobility, and thermodynamic stability) indicates that this missense variant is not expected to disrupt DNMT1 protein function with a negative predictive value of 80%. In summary, the available evidence is currently insufficient to determine the role of this variant in disease. Therefore, it has been classified as a Variant of Uncertain Significance.

NM_001130823.3(DNMT1):c.3293G>A (p.Arg1098His)

Gene: DNMT1 (DNA methyltransferase 1; minus strand). Cytogenetic location: 19p13.2.
Variant type: single nucleotide variant.
Coding change: c.3293G>A on transcript NM_001130823.3 (MANE Select); coding-DNA position 3293, G replaced by A.
Protein change: p.Arg1098His; replaces arginine 1098 with histidine.
Molecular consequence: missense variant.
Genome position (GRCh38, 1-based): chr19:10,142,044, C>T on the plus strand (G>A on the coding strand, the complement: DNMT1 is on the minus strand). VCF-style: chr19-10142044-C-T. GRCh37 (hg19) VCF-style: chr19-10252720-C-T.
Other names: c.3245G>A, p.Arg1082His (NM_001318730.2, NM_001379.4); c.2930G>A, p.Arg977His (NM_001318731.2); c.3293G>A (LRG_362t1); short protein forms R1098H, R977H, R1082H.
Identifiers: ClinVar variation 568493 (VCV000568493.8), dbSNP rs377078524, ClinGen allele CA403974695.
Genomic context (GRCh38, chr19:10,142,044, plus strand): 5'-AACTTTGACCCCGAAGCCTTCCCTCTAGCAAGCAGGGGCACCACCTCGAGGAAGTAGAAG[C>T]GGTTGGGGCCGCCCATGGAGTACACCTGGACGCACTCGGGCAGGTCCTCCCCATACTCCA-3'
Protein context (NP_001124295.1, residues 1088-1108): VQVYSMGGPN[Arg1098His]FYFLEAYNAK